The following is an entry in ClinVar:

ClinVar aggregate classification (germline): Uncertain significance. Review status: criteria provided, multiple submitters, no conflicts (2 of 4 stars). 2 submissions from 2 submitters: Uncertain significance (2). Last evaluated 2025-02-05.

Conditions:
Hereditary cancer-predisposing syndrome. Also called: Tumor predisposition; Hereditary Cancer Syndrome; Neoplastic Syndromes, Hereditary; Hereditary neoplastic syndrome. Identifiers: Orphanet 140162, MedGen C0027672, MeSH D009386, MONDO:0015356.
Neuroblastoma, susceptibility to, 3. Also called: ALK-Related Neuroblastic Tumor Susceptibility. Identifiers: Orphanet 635, MedGen C2751681, MONDO:0013083, OMIM 613014.

Submissions (2):

Ambry Genetics
Classification: Uncertain significance for Hereditary cancer-predisposing syndrome. Last evaluated: 2025-02-05. Review status: criteria provided, single submitter. Criteria: Ambry Variant Classification Scheme 2023. Collection method: clinical testing. Allele origin: germline.
Comment: The p.V681I variant (also known as c.2041G>A), located in coding exon 11 of the ALK gene, results from a G to A substitution at nucleotide position 2041. The amino acid change results in valine to isoleucine at codon 681, an amino acid with highly similar properties. However, this change occurs in the last base pair of coding exon 11, which makes it likely to have some effect on normal mRNA splicing. This nucleotide position is highly conserved in available vertebrate species. This amino acid position is highly conserved in available vertebrate species. In silico splice site analysis predicts that this alteration may result in the creation or strengthening of a novel splice donor site. In addition, as a missense substitution this is predicted to be tolerated by in silico analysis. However, loss of function of ALK has not been established as a mechanism of disease. Based on the available evidence, the clinical significance of this alteration remains unclear.

Labcorp Genetics (formerly Invitae), Labcorp
Classification: Uncertain significance for Neuroblastoma, susceptibility to, 3. Last evaluated: 2024-07-21. Review status: criteria provided, single submitter. Criteria: Invitae Variant Classification Sherloc (09022015). Collection method: clinical testing. Allele origin: germline.
Comment: This sequence change replaces valine, which is neutral and non-polar, with isoleucine, which is neutral and non-polar, at codon 681 of the ALK protein (p.Val681Ile). This variant also falls at the last nucleotide of exon 11, which is part of the consensus splice site for this exon. This variant is not present in population databases (gnomAD no frequency). This variant has not been reported in the literature in individuals affected with ALK-related conditions. ClinVar contains an entry for this variant (Variation ID: 864003). An algorithm developed to predict the effect of missense changes on protein structure and function (PolyPhen-2) suggests that this variant is likely to be tolerated. Variants that disrupt the consensus splice site are a relatively common cause of aberrant splicing (PMID: 17576681, 9536098). In summary, the available evidence is currently insufficient to determine the role of this variant in disease. Therefore, it has been classified as a Variant of Uncertain Significance.

Literature cited by the submitters: PubMed 17576681 (cited by Labcorp Genetics (formerly Invitae), Labcorp); PubMed 9536098 (cited by Labcorp Genetics (formerly Invitae), Labcorp).

NM_004304.5(ALK):c.2041G>A (p.Val681Ile)

Gene: ALK (ALK receptor tyrosine kinase; minus strand). Cytogenetic location: 2p23.2.
Variant type: single nucleotide variant.
Coding change: c.2041G>A on transcript NM_004304.5 (MANE Select); coding-DNA position 2041, G replaced by A.
Protein change: p.Val681Ile; replaces valine 681 with isoleucine.
Molecular consequence: missense variant.
Genome position (GRCh38, 1-based): chr2:29,275,099, C>T on the plus strand (G>A on the coding strand, the complement: ALK is on the minus strand). VCF-style: chr2-29275099-C-T. GRCh37 (hg19) VCF-style: chr2-29497965-C-T.
Other names: short protein forms V681I.
Identifiers: ClinVar variation 864003 (VCV000864003.10), dbSNP rs1665497617, ClinGen allele CA346479561.